The following is an entry in ClinVar:

NM_015374.3(SUN2):c.697T>A (p.Phe233Ile)

Gene: SUN2 (Sad1 and UNC84 domain containing 2; minus strand). Cytogenetic location: 22q13.1.
Variant type: single nucleotide variant.
Coding change: c.697T>A on transcript NM_015374.3 (MANE Select); coding-DNA position 697, T replaced by A.
Protein change: p.Phe233Ile; replaces phenylalanine 233 with isoleucine.
Molecular consequence: missense variant. On other transcripts: intron variant (2).
Genome position (GRCh38, 1-based): chr22:38,745,800, A>T on the plus strand (T>A on the coding strand, the complement: SUN2 is on the minus strand). VCF-style: chr22-38745800-A-T. GRCh37 (hg19) VCF-style: chr22-39141805-A-T.
Other names: c.559T>A, p.Phe187Ile (NM_001394440.1, NM_001394441.1, NM_001394439.1); c.697T>A, p.Phe233Ile (NM_001394442.1, NM_001199580.2, NM_001394431.1 and 6 more transcripts); c.205T>A, p.Phe69Ile (NM_001394443.1); c.614+3966T>A (NM_001394444.1, NM_001394445.1); c.760T>A, p.Phe254Ile (NM_001199579.2, NM_001394428.1); c.790T>A, p.Phe264Ile (NM_001394427.1); c.742T>A, p.Phe248Ile (NM_001394429.1, NM_001394430.1); c.607T>A, p.Phe203Ile (NM_001394438.1); short protein forms F187I, F254I, F69I, F203I, F233I, F248I, F264I.
Identifiers: ClinVar variation 3729866 (VCV003729866.2).

ClinVar aggregate classification (germline): Uncertain significance (1 of 4 stars; one submission).

Conditions:
Emery-Dreifuss muscular dystrophy (EDMD). Also called: Scapuloperoneal syndrome, X-linked (formerly); Humeroperoneal neuromuscular disease, (formerly). Identifiers: Orphanet 261, MedGen C0410189, MONDO:0016830.

Submission:

Labcorp Genetics (formerly Invitae), Labcorp
Classification: Uncertain significance for Emery-Dreifuss muscular dystrophy. Last evaluated: 2025-01-30. Review status: criteria provided, single submitter. Criteria: Invitae Variant Classification Sherloc (09022015). Collection method: clinical testing. Allele origin: germline.
Comment: This sequence change replaces phenylalanine, which is neutral and non-polar, with isoleucine, which is neutral and non-polar, at codon 233 of the SUN2 protein (p.Phe233Ile). This variant is not present in population databases (gnomAD no frequency). This variant has not been reported in the literature in individuals affected with SUN2-related conditions. An algorithm developed to predict the effect of missense changes on protein structure and function (PolyPhen-2) suggests that this variant is likely to be tolerated. In summary, the available evidence is currently insufficient to determine the role of this variant in disease. Therefore, it has been classified as a Variant of Uncertain Significance.